The following is an entry in ClinVar:

NM_144997.7(FLCN):c.114T>C (p.Ser38=)

Gene: FLCN (folliculin; minus strand). Cytogenetic location: 17p11.2.
Variant type: single nucleotide variant.
Coding change: c.114T>C on transcript NM_144997.7 (MANE Select); coding-DNA position 114, T replaced by C.
Protein change: p.Ser38=; no amino-acid change (serine 38 retained).
Molecular consequence: synonymous variant.
Genome position (GRCh38, 1-based): chr17:17,228,024, A>G on the plus strand (T>C on the coding strand, the complement: FLCN is on the minus strand). VCF-style: chr17-17228024-A-G. GRCh37 (hg19) VCF-style: chr17-17131338-A-G.
Other names: c.114T>C, p.Ser38= (NM_001353229.2, NM_001353230.2, NM_001353231.2 and 1 more transcripts).
Identifiers: ClinVar variation 1084696 (VCV001084696.10), dbSNP rs2145046699, ClinGen allele CA498421597.

ClinVar aggregate classification (germline): Benign/Likely benign. Review status: criteria provided, multiple submitters, no conflicts (2 of 4 stars). 3 submissions from 3 submitters: Benign (1); Likely benign (2). Last evaluated 2024-10-22.

Conditions:
Hereditary cancer-predisposing syndrome. Also called: Neoplastic Syndromes, Hereditary; Hereditary neoplastic syndrome; Hereditary Cancer Syndrome; Tumor predisposition. Identifiers: Orphanet 140162, MedGen C0027672, MeSH D009386, MONDO:0015356.
Birt-Hogg-Dube syndrome 1 (BHD1). Also called: FIBROFOLLICULOMAS WITH TRICHODISCOMAS AND ACROCHORDONS. Identifiers: Orphanet 122, MedGen CN375946, MONDO:0800445, OMIM 135150.
Birt-Hogg-Dube syndrome. Also called: Birt Hogg Dubé syndrome. Identifiers: Orphanet 122, MedGen C0346010, MONDO:0800444.

Allele frequency attached by ClinVar (database versions not stated): gnomAD exomes below 0.00001.
gnomAD v4.1: 1 of 1,613,916 alleles (0.000062%); highest among the groups gnomAD compares: East Asian, 0.0022%; no homozygotes.

Submissions (3):

Myriad Genetics, Inc.
Classification: Benign for Birt-Hogg-Dube syndrome 1. Last evaluated: 2024-10-22. Review status: criteria provided, single submitter. Criteria: Myriad Autosomal Dominant, Autosomal Recessive and X-Linked Classification Criteria (2023). Collection method: clinical testing. Allele origin: unknown.
Comment: This variant is considered benign. This variant is a silent/synonymous amino acid change and it is not expected to impact splicing.

Ambry Genetics
Classification: Likely benign for Hereditary cancer-predisposing syndrome. Last evaluated: 2022-10-01. Review status: criteria provided, single submitter. Criteria: Ambry Variant Classification Scheme 2023. Collection method: clinical testing. Allele origin: germline.

Labcorp Genetics (formerly Invitae), Labcorp
Classification: Likely benign for Birt-Hogg-Dube syndrome. Last evaluated: 2022-02-19. Review status: criteria provided, single submitter. Criteria: Invitae Variant Classification Sherloc (09022015). Collection method: clinical testing. Allele origin: germline.